The following is an entry in ClinVar:

NM_001042492.3(NF1):c.6299T>C (p.Leu2100Pro)

Gene: NF1 (neurofibromin 1; plus strand). Cytogenetic location: 17q11.2.
Variant type: single nucleotide variant.
Coding change: c.6299T>C on transcript NM_001042492.3 (MANE Select); coding-DNA position 6299, T replaced by C.
Protein change: p.Leu2100Pro; replaces leucine 2100 with proline.
Molecular consequence: missense variant.
Genome position (GRCh38, 1-based): chr17:31,336,786, T>C. VCF-style: chr17-31336786-T-C. GRCh37 (hg19) VCF-style: chr17-29663804-T-C.
Other names: c.6236T>C, p.Leu2079Pro (NM_000267.4); short protein forms L2079P, L2100P.
Identifiers: ClinVar variation 1427617 (VCV001427617.8), dbSNP rs1555534708, ClinGen allele CA399012238.
Genomic context (GRCh38, chr17:31,336,786, plus strand): 5'-TTTTAGCACGCTACATGCTGATGCTGTCCTTCAACAATTCCCTTGATGTGGCAGCTCATC[T>C]TCCCTACCTCTTCCACGTTGTTACTTTCTTAGTAGCCACAGGTCCGCTCTCCCTTAGAGC-3'
Protein context (NP_001035957.1, residues 2090-2110): FNNSLDVAAH[Leu2100Pro]PYLFHVVTFL

ClinVar aggregate classification (germline): Uncertain significance (1 of 4 stars; one submission).

Conditions:
Neurofibromatosis, type 1 (NF1). Also called: VON RECKLINGHAUSEN DISEASE; NEUROFIBROMATOSIS, TYPE I, SOMATIC; Neurofibromatosis, type I; Peripheral type neurofibromatosis. Identifiers: Orphanet 636, MedGen C0027831, MONDO:0018975, OMIM 162200. Disease mechanism: loss of function.

Submission:

Labcorp Genetics (formerly Invitae), Labcorp
Classification: Uncertain significance for Neurofibromatosis, type 1. Last evaluated: 2021-01-30. Review status: criteria provided, single submitter. Criteria: Invitae Variant Classification Sherloc (09022015). Collection method: clinical testing. Allele origin: germline.
Comment: This sequence change replaces leucine with proline at codon 2079 of the NF1 protein (p.Leu2079Pro). The leucine residue is highly conserved and there is a moderate physicochemical difference between leucine and proline. In summary, the available evidence is currently insufficient to determine the role of this variant in disease. Therefore, it has been classified as a Variant of Uncertain Significance. Advanced modeling of protein sequence and biophysical properties (such as structural, functional, and spatial information, amino acid conservation, physicochemical variation, residue mobility, and thermodynamic stability) performed at Invitae indicates that this missense variant is expected to disrupt NF1 protein function. This variant has not been reported in the literature in individuals with NF1-related conditions. This variant is not present in population databases (ExAC no frequency).